The following is an entry in ClinVar:

ClinVar aggregate classification (germline): Uncertain significance (1 of 4 stars; one submission).

Submission:

GeneDx
Classification: Uncertain significance. Last evaluated: 2026-07-30. Review status: criteria provided, single submitter. Criteria: GeneDx Variant Classification Process June 2021. Collection method: clinical testing. Allele origin: germline.
Comment: Not observed at significant frequency in large population cohorts (gnomAD); In silico analysis suggests that this missense variant does not alter protein structure/function; Has not been previously published as pathogenic or benign to our knowledge

NM_001303052.2(MYT1L):c.2113T>C (p.Cys705Arg)

Gene: MYT1L (myelin transcription factor 1 like; minus strand). Cytogenetic location: 2p25.3.
Variant type: single nucleotide variant.
Coding change: c.2113T>C on transcript NM_001303052.2 (MANE Select); coding-DNA position 2113, T replaced by C.
Protein change: p.Cys705Arg; replaces cysteine 705 with arginine.
Molecular consequence: missense variant.
Genome position (GRCh38, 1-based): chr2:1,892,207, A>G on the plus strand (T>C on the coding strand, the complement: MYT1L is on the minus strand). VCF-style: chr2-1892207-A-G. GRCh37 (hg19) VCF-style: chr2-1895979-A-G.
Other names: c.2113T>C, p.Cys705Arg (NM_001329844.2, NM_001329845.1, NM_001329851.3); c.2107T>C, p.Cys703Arg (NM_001329846.3, NM_001329847.2, NM_001329848.1 and 3 more transcripts); short protein forms C703R, C705R.
Identifiers: ClinVar variation 4074521 (VCV004074521.2).